The following is an entry in ClinVar:

NM_002180.3(IGHMBP2):c.1568A>G (p.Gln523Arg)

Genes: IGHMBP2 (immunoglobulin mu DNA binding protein 2; plus strand), LOC126861245 (CDK7 strongly-dependent group 2 enhancer GRCh37_chr11:68701479-68702678; plus strand). Cytogenetic location: 11q13.3.
Variant type: single nucleotide variant.
Coding change: c.1568A>G on transcript NM_002180.3 (MANE Select); coding-DNA position 1568, A replaced by G.
Protein change: p.Gln523Arg; replaces glutamine 523 with arginine.
Molecular consequence: missense variant.
Genome position (GRCh38, 1-based): chr11:68,934,494, A>G. VCF-style: chr11-68934494-A-G. GRCh37 (hg19) VCF-style: chr11-68701962-A-G.
Other names: short protein forms Q523R.
Identifiers: ClinVar variation 1019864 (VCV001019864.9), dbSNP rs1594452962, ClinGen allele CA381650815.

ClinVar aggregate classification (germline): Uncertain significance (1 of 4 stars; one submission).

Conditions:
Autosomal recessive distal spinal muscular atrophy 1. Also called: SEVERE INFANTILE AXONAL NEUROPATHY WITH RESPIRATORY FAILURE; SPINAL MUSCULAR ATROPHY, DIAPHRAGMATIC; Spinal muscular atrophy with respiratory distress 1; HMN VI; NEURONOPATHY, SEVERE INFANTILE AXONAL, WITH RESPIRATORY FAILURE; NEURONOPATHY, DISTAL HEREDITARY MOTOR, HARDING TYPE VI. Identifiers: Orphanet 98920, MedGen C1858517, MONDO:0011436, OMIM 604320.
Charcot-Marie-Tooth disease axonal type 2S. Also called: CHARCOT-MARIE-TOOTH NEUROPATHY, TYPE 2S; CHARCOT-MARIE-TOOTH DISEASE, AXONAL, AUTOSOMAL RECESSIVE, TYPE 2S. Identifiers: Orphanet 443073, MedGen C4015349, MONDO:0014511, OMIM 616155.

Allele frequency attached by ClinVar (database versions not stated): gnomAD below 0.00001 and 0.00001.

Submission:

Labcorp Genetics (formerly Invitae), Labcorp
Classification: Uncertain significance for Autosomal recessive distal spinal muscular atrophy 1; Charcot-Marie-Tooth disease axonal type 2S. Last evaluated: 2022-07-19. Review status: criteria provided, single submitter. Criteria: Invitae Variant Classification Sherloc (09022015). Collection method: clinical testing. Allele origin: germline.
Comment: In summary, the available evidence is currently insufficient to determine the role of this variant in disease. Therefore, it has been classified as a Variant of Uncertain Significance. Advanced modeling of protein sequence and biophysical properties (such as structural, functional, and spatial information, amino acid conservation, physicochemical variation, residue mobility, and thermodynamic stability) performed at Invitae indicates that this missense variant is not expected to disrupt IGHMBP2 protein function. ClinVar contains an entry for this variant (Variation ID: 1019864). This variant has not been reported in the literature in individuals affected with IGHMBP2-related conditions. This variant is not present in population databases (gnomAD no frequency). This sequence change replaces glutamine, which is neutral and polar, with arginine, which is basic and polar, at codon 523 of the IGHMBP2 protein (p.Gln523Arg).